The following is an entry in ClinVar:

ClinVar aggregate classification (germline): Uncertain significance (1 of 4 stars; one submission).

Conditions:
Andersen Tawil syndrome (LQT7). Also called: Potassium-sensitive periodic paralysis, ventricular ectopy, and dysmorphic features; Andersen Syndrome; LONG QT SYNDROME 7; PERIODIC PARALYSIS, POTASSIUM-SENSITIVE CARDIODYSRHYTHMIC TYPE; ANDERSEN CARDIODYSRHYTHMIC PERIODIC PARALYSIS. Identifiers: Orphanet 37553, MedGen C1563715, MONDO:0008222, OMIM 170390.
Short QT syndrome type 3. Identifiers: Orphanet 51083, MedGen C1865018, MONDO:0012314, OMIM 609622.

Submission:

Labcorp Genetics (formerly Invitae), Labcorp
Classification: Uncertain significance for Short QT syndrome type 3; Andersen Tawil syndrome. Last evaluated: 2022-07-05. Review status: criteria provided, single submitter. Criteria: Invitae Variant Classification Sherloc (09022015). Collection method: clinical testing. Allele origin: germline.
Comment: In summary, the available evidence is currently insufficient to determine the role of this variant in disease. Therefore, it has been classified as a Variant of Uncertain Significance. Algorithms developed to predict the effect of missense changes on protein structure and function (SIFT, PolyPhen-2, Align-GVGD) all suggest that this variant is likely to be disruptive. ClinVar contains an entry for this variant (Variation ID: 1464296). This variant has not been reported in the literature in individuals affected with KCNJ2-related conditions. This variant is not present in population databases (gnomAD no frequency). This sequence change replaces glutamic acid, which is acidic and polar, with glutamine, which is neutral and polar, at codon 293 of the KCNJ2 protein (p.Glu293Gln).

NM_000891.3(KCNJ2):c.877G>C (p.Glu293Gln)

Gene: KCNJ2 (potassium inwardly rectifying channel subfamily J member 2; plus strand). Cytogenetic location: 17q24.3.
Variant type: single nucleotide variant.
Coding change: c.877G>C on transcript NM_000891.3 (MANE Select); coding-DNA position 877, G replaced by C.
Protein change: p.Glu293Gln; replaces glutamic acid 293 with glutamine.
Molecular consequence: missense variant.
Genome position (GRCh38, 1-based): chr17:70,175,916, G>C. VCF-style: chr17-70175916-G-C. GRCh37 (hg19) VCF-style: chr17-68172057-G-C.
Other names: short protein forms E293Q.
Identifiers: ClinVar variation 1464296 (VCV001464296.8), dbSNP rs2144377579, ClinGen allele CA400862498.